The following is an entry in ClinVar:

NM_001999.4(FBN2):c.6571G>A (p.Asp2191Asn)

Gene: FBN2 (fibrillin 2; minus strand). Cytogenetic location: 5q23.3.
Variant type: single nucleotide variant.
Coding change: c.6571G>A on transcript NM_001999.4 (MANE Select); coding-DNA position 6571, G replaced by A.
Protein change: p.Asp2191Asn; replaces aspartic acid 2191 with asparagine.
Molecular consequence: missense variant.
Genome position (GRCh38, 1-based): chr5:128,289,193, C>T on the plus strand (G>A on the coding strand, the complement: FBN2 is on the minus strand). VCF-style: chr5-128289193-C-T. GRCh37 (hg19) VCF-style: chr5-127624885-C-T.
Other names: c.6571G>A (NM_001999.3); short protein forms D2191N.
Identifiers: ClinVar variation 1037893 (VCV001037893.10), dbSNP rs1244642553, ClinGen allele CA360761129.

ClinVar aggregate classification (germline): Conflicting classifications of pathogenicity. Review status: criteria provided, conflicting classifications (1 of 4 stars). 2 submissions from 2 submitters: Uncertain significance (1); Likely benign (1). Last evaluated 2026-04-07.

Conditions:
Familial thoracic aortic aneurysm and aortic dissection (TAAD). Also called: Thoracic aortic aneurysms and dissections. Identifiers: Orphanet 91387, MedGen C4707243, MONDO:0019625.
Congenital contractural arachnodactyly (CCA). Also called: BEALS SYNDROME; Arthrogryposis, distal, type 9; Beals-Hecht syndrome. Identifiers: Orphanet 115, MedGen C0220668, MONDO:0007363, OMIM 121050.

Allele frequency attached by ClinVar (database versions not stated): gnomAD exomes below 0.00001 and 0.00001.

Submissions (2):

Ambry Genetics
Classification: Uncertain significance for Familial thoracic aortic aneurysm and aortic dissection. Last evaluated: 2026-04-07. Review status: criteria provided, single submitter. Criteria: Ambry Variant Classification Scheme 2023. Collection method: clinical testing. Allele origin: germline.
Comment: The p.D2191N variant (also known as c.6571G>A), located in coding exon 52 of the FBN2 gene, results from a G to A substitution at nucleotide position 6571. The aspartic acid at codon 2191 is replaced by asparagine, an amino acid with highly similar properties. This variant was reported in individual(s) with features consistent with congenital heart disease (Zaidi S et al. Nature, 2013 Jun;498:220-3). This amino acid position is highly conserved in available vertebrate species. In addition, this alteration is predicted to be tolerated by in silico analysis. Based on the available evidence, the clinical significance of this variant remains unclear.

Labcorp Genetics (formerly Invitae), Labcorp
Classification: Likely benign for Congenital contractural arachnodactyly. Last evaluated: 2025-12-03. Review status: criteria provided, single submitter. Criteria: Invitae Variant Classification Sherloc (09022015). Collection method: clinical testing. Allele origin: germline.

Literature cited by the submitters: PubMed 23665959 (cited by Ambry Genetics).